The following is an entry in ClinVar:

ClinVar aggregate classification (germline): Likely pathogenic. Review status: criteria provided, multiple submitters, no conflicts (2 of 4 stars). 2 submissions from 2 submitters: Likely pathogenic (2). Last evaluated 2025-10-13.

Conditions:
Neuronal ceroid lipofuscinosis. Also called: Neuronal Ceroid Lipofuscinoses. Identifiers: Orphanet 216, Orphanet 79263, MedGen C0027877, MONDO:0016295. Disease mechanism: loss of function.

Allele frequency attached by ClinVar (database versions not stated): TOPMed below 0.00001; gnomAD 0.00001.
gnomAD v4.1: 1 of 1,613,874 alleles (0.000062%); highest among the groups gnomAD compares: Non-Finnish European, 0.000085%; no homozygotes.

Submissions (2):

Women's Health and Genetics/Laboratory Corporation of America, LabCorp
Classification: Likely pathogenic for Neuronal ceroid lipofuscinosis. Last evaluated: 2025-10-13. Review status: criteria provided, single submitter. Criteria: LabCorp Variant Classification Summary - May 2015. Collection method: clinical testing. Allele origin: germline.
Comment: Variant summary: TPP1 c.182T>G (p.Leu61Arg) results in a non-conservative amino acid change located in the Pro-kumamolisin, activation domain of the encoded protein sequence. Five of five in-silico tools predict a damaging effect of the variant on protein function. The variant was absent in 251382 control chromosomes. c.182T>G has been reported in trans with a pathogenic null variant in at least 1 individual affected with Neuronal Ceroid-Lipofuscinosis (Batten Disease) (example, Galvan_2025, Labcorp Genetics (formerly Invitae)). These data indicate that the variant may be associated with disease. At least one publication reports experimental evidence evaluating an impact on protein function. The most pronounced variant effect results in <10% of normal activity in patient sample(s) (Galvan_2025). The following publication has been ascertained in the context of this evaluation (PMID: 31440721). ClinVar contains an entry for this variant (Variation ID: 408911). Based on the evidence outlined above, the variant was classified as likely pathogenic.

Labcorp Genetics (formerly Invitae), Labcorp
Classification: Likely pathogenic. Last evaluated: 2021-07-19. Review status: criteria provided, single submitter. Criteria: Invitae Variant Classification Sherloc (09022015). Collection method: clinical testing. Allele origin: germline.
Comment: In summary, the currently available evidence indicates that the variant is pathogenic, but additional data are needed to prove that conclusively. Therefore, this variant has been classified as Likely Pathogenic. Advanced modeling of protein sequence and biophysical properties (such as structural, functional, and spatial information, amino acid conservation, physicochemical variation, residue mobility, and thermodynamic stability) performed at Invitae indicates that this missense variant is expected to disrupt TPP1 protein function. This missense change has been observed in individual(s) with deficient TPP1 enzyme levels and phenotypic characteristics of autosomal recessive neuronal ceroid lipofuscinosis type 2 (Invitae). In at least one individual the data is consistent with the variant being in trans (on the opposite chromosome) from a pathogenic variant. This variant is not present in population databases (ExAC no frequency). This sequence change replaces leucine with arginine at codon 61 of the TPP1 protein (p.Leu61Arg). The leucine residue is highly conserved and there is a moderate physicochemical difference between leucine and arginine.

Literature cited by the submitters: PubMed 31440721 (cited by Women's Health and Genetics/Laboratory Corporation of America, LabCorp).

NM_000391.4(TPP1):c.182T>G (p.Leu61Arg)

Gene: TPP1 (tripeptidyl peptidase 1; minus strand). Cytogenetic location: 11p15.4.
Variant type: single nucleotide variant.
Coding change: c.182T>G on transcript NM_000391.4 (MANE Select); coding-DNA position 182, T replaced by G.
Protein change: p.Leu61Arg; replaces leucine 61 with arginine.
Molecular consequence: missense variant.
Genome position (GRCh38, 1-based): chr11:6,618,823, A>C on the plus strand (T>G on the coding strand, the complement: TPP1 is on the minus strand). VCF-style: chr11-6618823-A-C. GRCh37 (hg19) VCF-style: chr11-6640054-A-C.
Other names: short protein forms L61R.
Identifiers: ClinVar variation 408911 (VCV000408911.10), dbSNP rs1060502179, ClinGen allele CA16613437.
Genomic context (GRCh38, chr11:6,618,823, plus strand): 5'-TCCCAAAAGGCACCGTATTGAGGAGAGCTGGGATCCGACACAGCCTGCACCAGCTCCGAG[A>C]GTCTTTCCACATTCTGCTGTCTCAGGGCAAAGGTGAGACTCAGCTCTTCCTCAGGGTCCG-3'
Protein context (NP_000382.3, residues 51-71): FALRQQNVER[Leu61Arg]SELVQAVSDP